The following is an entry in ClinVar:

ClinVar aggregate classification (germline): Conflicting classifications of pathogenicity. Review status: criteria provided, conflicting classifications (1 of 4 stars). 2 submissions from 2 submitters: Likely pathogenic (1); Uncertain significance (1). Last evaluated 2022-12-26.

Submissions (2):

Labcorp Genetics (formerly Invitae), Labcorp
Classification: Likely pathogenic. Last evaluated: 2022-12-26. Review status: criteria provided, single submitter. Criteria: Invitae Variant Classification Sherloc (09022015). Collection method: clinical testing. Allele origin: germline.
Comment: This sequence change replaces glycine, which is neutral and non-polar, with valine, which is neutral and non-polar, at codon 2049 of the COL7A1 protein (p.Gly2049Val). This variant is not present in population databases (gnomAD no frequency). In summary, the currently available evidence indicates that the variant is pathogenic, but additional data are needed to prove that conclusively. Therefore, this variant has been classified as Likely Pathogenic. This variant disrupts the p.Gly2049 amino acid residue in COL7A1. Other variant(s) that disrupt this residue have been determined to be pathogenic (PMID: 9326325, 18450758). This suggests that this residue is clinically significant, and that variants that disrupt this residue are likely to be disease-causing. This variant disrupts the triple helix domain of COL7A1. Glycine residues within the Gly-Xaa-Yaa repeats of the triple helix domain are required for the structure and stability of fibrillar collagens (PMID: 7695699, 8218237, 19344236), and variants at these glycine residues in COL7A1 are more frequently observed in individuals with disease than in the general population (PMID: 22058051). However, the clinical significance of this observation remains uncertain since only a limited number of affected individuals have been described to date. Advanced modeling of protein sequence and biophysical properties (such as structural, functional, and spatial information, amino acid conservation, physicochemical variation, residue mobility, and thermodynamic stability) performed at Invitae indicates that this missense variant is expected to disrupt COL7A1 protein function. This variant has not been reported in the literature in individuals affected with COL7A1-related conditions.

Blueprint Genetics
Classification: Uncertain significance. Last evaluated: 2022-11-03. Review status: criteria provided, single submitter. Criteria: ACMG Guidelines, 2015. Collection method: clinical testing. Allele origin: germline.

Literature cited by the submitters: PubMed 9326325 (cited by Labcorp Genetics (formerly Invitae), Labcorp); PubMed 18450758 (cited by Labcorp Genetics (formerly Invitae), Labcorp); PubMed 7695699 (cited by Labcorp Genetics (formerly Invitae), Labcorp); PubMed 8218237 (cited by Labcorp Genetics (formerly Invitae), Labcorp); PubMed 19344236 (cited by Labcorp Genetics (formerly Invitae), Labcorp); PubMed 22058051 (cited by Labcorp Genetics (formerly Invitae), Labcorp).

NM_000094.4(COL7A1):c.6146G>T (p.Gly2049Val)

Gene: COL7A1 (collagen type VII alpha 1 chain; minus strand). Cytogenetic location: 3p21.31.
Variant type: single nucleotide variant.
Coding change: c.6146G>T on transcript NM_000094.4 (MANE Select); coding-DNA position 6146, G replaced by T.
Protein change: p.Gly2049Val; replaces glycine 2049 with valine.
Molecular consequence: missense variant.
Genome position (GRCh38, 1-based): chr3:48,575,373, C>A on the plus strand (G>T on the coding strand, the complement: COL7A1 is on the minus strand). VCF-style: chr3-48575373-C-A. GRCh37 (hg19) VCF-style: chr3-48612806-C-A.
Other names: short protein forms G2049V.
Identifiers: ClinVar variation 2824225 (VCV002824225.4), dbSNP rs1410793870, ClinGen allele CA352662974.